The following is an entry in ClinVar:

ClinVar aggregate classification (germline): Pathogenic (1 of 4 stars; one submission).

Conditions:
Intellectual developmental disorder, autosomal dominant 41. Also called: Intellectual disability, autosomal dominant 41. Identifiers: Orphanet 2823, MedGen C4310784, MONDO:0014842, OMIM 616944.

Submission:

Department of Neurology, Jiangxi Provincial Children’s Hospital
Classification: Pathogenic for Intellectual developmental disorder, autosomal dominant 41. Review status: criteria provided, single submitter. Criteria: ACMG Guidelines, 2015. Collection method: clinical testing. Allele origin: de novo. Inheritance: Autosomal dominant inheritance. Affected: yes.
Comment: The variant was a 16 bp nucleotide duplication in exon 14, caused a conversion of the Aspartic amino acidsto Glycine amino acids at 463th, and finally generated a stop codon 6 amino acids after the 462th amino acids. It was classified as variant of pathogenic (P) for following pathogenicity evidence: PVS1 (This variant was a frameshift variant, and the associated disease was pathogenic via loss-of-function (LOF), PM2_moderate (This variant was detected as a de novo variant, and the diseases associated with this gene were consistent with the patient's symptoms), PM2_Supporting (its frequency was 0 in gnomAD).

NM_024665.7(TBL1XR1):c.1372_1387dup (p.Asp463delinsGlyLysTrpPhePheTer)

Gene: TBL1XR1 (TBL1X/Y related 1; minus strand). Cytogenetic location: 3q26.32.
Variant type: Duplication.
Coding change: c.1372_1387dup on transcript NM_024665.7 (MANE Select); coding-DNA positions 1372 to 1387, 16 bases duplicated (GCAAGTGGTTCTTTTG).
Protein change: p.Asp463delinsGlyLysTrpPhePheTer.
Molecular consequence: nonsense.
Genome position (GRCh38, 1-based): chr3:177,033,000-177,033,015, CAAAAGAACCACTTGC duplicated on the plus strand (GCAAGTGGTTCTTTTG on the coding strand, the reverse complement: TBL1XR1 is on the minus strand); duplicating any 16 consecutive bases within chr3:177,033,000-177,033,017 gives the same sequence; the c. name uses the placement nearest the transcript's 3' end. VCF-style (leftmost placement, unchanged base first): chr3-177032999-T-TCAAAAGAACCACTTGC. GRCh37 (hg19) VCF-style: chr3-176750787-T-TCAAAAGAACCACTTGC.
Other names: c.1372_1387dup, p.Asp463delinsGlyLysTrpPhePheTer (NM_001321193.3, NM_001321194.3, NM_001374327.1 and 2 more transcripts); c.1111_1126dup, p.Asp376delinsGlyLysTrpPhePheTer (NM_001321195.3, NM_001374330.1).
Identifiers: ClinVar variation 4820315 (VCV004820315.1).